The following is an entry in ClinVar:

ClinVar aggregate classification (germline): Uncertain significance. Review status: criteria provided, multiple submitters, no conflicts (2 of 4 stars). 2 submissions from 2 submitters: Uncertain significance (2). Last evaluated 2025-03-26.

Conditions:
Cardiovascular phenotype. Identifiers: MedGen CN230736.
Hereditary cancer-predisposing syndrome. Also called: Tumor predisposition; Hereditary neoplastic syndrome; Neoplastic Syndromes, Hereditary; Hereditary Cancer Syndrome. Identifiers: Orphanet 140162, MedGen C0027672, MeSH D009386, MONDO:0015356.
Neurofibromatosis, type 1 (NF1). Also called: VON RECKLINGHAUSEN DISEASE; Peripheral type neurofibromatosis; Neurofibromatosis, type I; NEUROFIBROMATOSIS, TYPE I, SOMATIC. Identifiers: Orphanet 636, MedGen C0027831, MONDO:0018975, OMIM 162200. Disease mechanism: loss of function.

Submissions (2):

Ambry Genetics
Classification: Uncertain significance for Cardiovascular phenotype; Hereditary cancer-predisposing syndrome. Last evaluated: 2025-03-26. Review status: criteria provided, single submitter. Criteria: Ambry Variant Classification Scheme 2023. Collection method: clinical testing. Allele origin: germline.
Comment: The p.F1592C variant (also known as c.4775T>G), located in coding exon 36 of the NF1 gene, results from a T to G substitution at nucleotide position 4775. The phenylalanine at codon 1592 is replaced by cysteine, an amino acid with highly dissimilar properties. This amino acid position is highly conserved in available vertebrate species. In addition, the in silico prediction for this alteration is inconclusive. Based on the available evidence, the clinical significance of this variant remains unclear.

Labcorp Genetics (formerly Invitae), Labcorp
Classification: Uncertain significance for Neurofibromatosis, type 1. Last evaluated: 2021-03-29. Review status: criteria provided, single submitter. Criteria: Invitae Variant Classification Sherloc (09022015). Collection method: clinical testing. Allele origin: germline.
Comment: In summary, the available evidence is currently insufficient to determine the role of this variant in disease. Therefore, it has been classified as a Variant of Uncertain Significance. This sequence change replaces phenylalanine with cysteine at codon 1592 of the NF1 protein (p.Phe1592Cys). The phenylalanine residue is moderately conserved and there is a large physicochemical difference between phenylalanine and cysteine. This variant is not present in population databases (ExAC no frequency). This variant has not been reported in the literature in individuals with NF1-related conditions. Algorithms developed to predict the effect of missense changes on protein structure and function are either unavailable or do not agree on the potential impact of this missense change (SIFT: "Tolerated"; PolyPhen-2: "Probably Damaging"; Align-GVGD: "Class C0").

NM_001042492.3(NF1):c.4838T>G (p.Phe1613Cys)

Gene: NF1 (neurofibromin 1; plus strand). Cytogenetic location: 17q11.2.
Variant type: single nucleotide variant.
Coding change: c.4838T>G on transcript NM_001042492.3 (MANE Select); coding-DNA position 4838, T replaced by G.
Protein change: p.Phe1613Cys; replaces phenylalanine 1613 with cysteine.
Molecular consequence: missense variant.
Genome position (GRCh38, 1-based): chr17:31,325,822, T>G. VCF-style: chr17-31325822-T-G. GRCh37 (hg19) VCF-style: chr17-29652840-T-G.
Other names: c.4775T>G, p.Phe1592Cys (NM_000267.4); short protein forms F1613C, F1592C.
Identifiers: ClinVar variation 1383278 (VCV001383278.11), dbSNP rs2151537477, ClinGen allele CA399006880.